The following is an entry in ClinVar:

ClinVar aggregate classification (germline): Uncertain significance (1 of 4 stars; one submission).

Submission:

Labcorp Genetics (formerly Invitae), Labcorp
Classification: Uncertain significance. Last evaluated: 2025-08-02. Review status: criteria provided, single submitter. Criteria: Invitae Variant Classification Sherloc (09022015). Collection method: clinical testing. Allele origin: germline.
Comment: This sequence change replaces leucine, which is neutral and non-polar, with tryptophan, which is neutral and slightly polar, at codon 407 of the OPHN1 protein (p.Leu407Trp). This variant is not present in population databases (gnomAD no frequency). This variant has not been reported in the literature in individuals affected with OPHN1-related conditions. An algorithm developed to predict the effect of missense changes on protein structure and function (PolyPhen-2) suggests that this variant is likely to be disruptive. In summary, the available evidence is currently insufficient to determine the role of this variant in disease. Therefore, it has been classified as a Variant of Uncertain Significance.

NM_002547.3(OPHN1):c.1220T>G (p.Leu407Trp)

Gene: OPHN1 (oligophrenin 1; minus strand). Cytogenetic location: Xq12.
Variant type: single nucleotide variant.
Coding change: c.1220T>G on transcript NM_002547.3 (MANE Select); coding-DNA position 1220, T replaced by G.
Protein change: p.Leu407Trp; replaces leucine 407 with tryptophan.
Molecular consequence: missense variant.
Genome position (GRCh38, 1-based): chrX:68,192,975, A>C on the plus strand (T>G on the coding strand, the complement: OPHN1 is on the minus strand). VCF-style: chrX-68192975-A-C. GRCh37 (hg19) VCF-style: chrX-67412817-A-C.
Other names: c.1220T>G, p.Leu407Trp (NM_001437258.1); short protein forms L407W.
Identifiers: ClinVar variation 4724524 (VCV004724524.1).